The following is an entry in ClinVar:

NM_058246.4(DNAJB6):c.69T>A (p.Tyr23Ter)

Gene: DNAJB6 (DnaJ heat shock protein family (Hsp40) member B6; plus strand). Cytogenetic location: 7q36.3.
Variant type: single nucleotide variant.
Coding change: c.69T>A on transcript NM_058246.4 (MANE Select); coding-DNA position 69, T replaced by A.
Protein change: p.Tyr23Ter; replaces tyrosine 23 with a stop codon.
Molecular consequence: nonsense.
Genome position (GRCh38, 1-based): chr7:157,363,164, T>A. VCF-style: chr7-157363164-T-A. GRCh37 (hg19) VCF-style: chr7-157155858-T-A.
Other names: c.69T>A, p.Tyr23Ter (NM_001363676.1, NM_005494.3); short protein forms Y23*.
Identifiers: ClinVar variation 565410 (VCV000565410.1), dbSNP rs759652351, ClinGen allele CA370165622.

ClinVar aggregate classification (germline): Uncertain significance (1 of 4 stars; one submission).

Conditions:
Autosomal dominant limb-girdle muscular dystrophy type 1D (DNAJB6) (LGMDD1). Also called: MUSCULAR DYSTROPHY, LIMB-GIRDLE, TYPE 1D; Autosomal dominant limb-girdle muscular dystrophy type 1D; Muscular dystrophy, limb-girdle, autosomal dominant 1; MUSCULAR DYSTROPHY, AUTOSOMAL DOMINANT, WITH RIMMED VACUOLES. Identifiers: Orphanet 34516, MedGen C4721885, MONDO:0021018, OMIM 603511.

Submission:

Labcorp Genetics (formerly Invitae), Labcorp
Classification: Uncertain significance for Limb-girdle muscular dystrophy, type 1E. Last evaluated: 2018-01-30. Review status: criteria provided, single submitter. Criteria: Invitae Variant Classification Sherloc (09022015). Collection method: clinical testing. Allele origin: germline.
Comment: This sequence change creates a premature translational stop signal (p.Tyr23*) in the DNAJB6 gene. It is expected to result in an absent or disrupted protein product. This variant is not present in population databases (ExAC no frequency). This variant has not been reported in the literature in individuals with DNAJB6-related disease. The current clinical and genetic evidence is not sufficient to establish whether loss-of-function variants in DNAJB6 cause disease. In summary, the available evidence is currently insufficient to determine the role of this variant in disease. Therefore, it has been classified as a Variant of Uncertain Significance.